The following is an entry in ClinVar:

ClinVar aggregate classification (germline): Benign/Likely benign. Review status: criteria provided, multiple submitters, no conflicts (2 of 4 stars). 5 submissions from 5 submitters: Benign (3); Likely benign (2). Last evaluated 2026-01-14.

Conditions:
Congenital disorder of glycosylation, type Ii. Also called: CDG Ii; ALG2-CDG; ALG2-congenital disorder of glycosylation. Identifiers: Orphanet 79326, MedGen C1842836, MONDO:0011933, OMIM 607906.
Congenital myasthenic syndrome 14. Also called: Myasthenic syndrome, congenital, 14, with tubular aggregates. Identifiers: Orphanet 353327, Orphanet 590, MedGen C4015597, MONDO:0014543, OMIM 616228.

Allele frequency attached by ClinVar (database versions not stated): gnomAD 0.00033 and 0.00060; ExAC 0.00104; gnomAD exomes 0.00024 and 0.00093; TOPMed 0.00032; 1000 Genomes Project 30x 0.00375; 1000 Genomes Project 0.00439.

Submissions (5):

Labcorp Genetics (formerly Invitae), Labcorp
Classification: Benign for Congenital disorder of glycosylation, type Ii; Congenital myasthenic syndrome 14. Last evaluated: 2026-01-14. Review status: criteria provided, single submitter. Criteria: Invitae Variant Classification Sherloc (09022015). Collection method: clinical testing. Allele origin: germline.

Mayo Clinic Laboratories, Mayo Clinic
Classification: Benign. Last evaluated: 2025-06-27. Review status: criteria provided, single submitter. Criteria: ACMG Guidelines, 2015. Collection method: clinical testing. Allele origin: germline. Observed: 2 variant alleles.
Comment: BS1, BS2, PP3

Blueprint Genetics
Classification: Likely benign. Last evaluated: 2024-10-23. Review status: criteria provided, single submitter. Criteria: ACMG Guidelines, 2015. Collection method: clinical testing. Allele origin: germline.

Fulgent Genetics
Classification: Likely benign for Congenital disorder of glycosylation, type Ii; Congenital myasthenic syndrome 14. Last evaluated: 2022-03-10. Review status: criteria provided, single submitter. Criteria: ACMG Guidelines, 2015. Collection method: clinical testing. Allele origin: unknown.

GeneDx
Classification: Benign. Last evaluated: 2016-12-15. Review status: criteria provided, single submitter. Criteria: GeneDx Variant Classification (06012015). Collection method: clinical testing. Allele origin: germline. Affected: yes.
Comment: This variant is considered likely benign or benign based on one or more of the following criteria: it is a conservative change, it occurs at a poorly conserved position in the protein, it is predicted to be benign by multiple in silico algorithms, and/or has population frequency not consistent with disease.

Literature cited by the submitters: PubMed 30061496 (cited by Mayo Clinic Laboratories, Mayo Clinic).

NM_033087.4(ALG2):c.167C>T (p.Pro56Leu)

Gene: ALG2 (ALG2 alpha-1,3/1,6-mannosyltransferase; minus strand). Cytogenetic location: 9q22.33.
Variant type: single nucleotide variant.
Coding change: c.167C>T on transcript NM_033087.4 (MANE Select); coding-DNA position 167, C replaced by T.
Protein change: p.Pro56Leu; replaces proline 56 with leucine.
Molecular consequence: missense variant. On other transcripts: non-coding transcript variant (1).
Genome position (GRCh38, 1-based): chr9:99,221,728, G>A on the plus strand (C>T on the coding strand, the complement: ALG2 is on the minus strand). VCF-style: chr9-99221728-G-A. GRCh37 (hg19) VCF-style: chr9-101984010-G-A.
Other names: p.Pro56Leu; short protein forms P56L.
Identifiers: ClinVar variation 382799 (VCV000382799.17), dbSNP rs201959100, ClinGen allele CA5156463.